The following is an entry in ClinVar:

NM_000183.3(HADHB):c.712C>T (p.Arg238Trp)

Gene: HADHB (hydroxyacyl-CoA dehydrogenase trifunctional multienzyme complex subunit beta; plus strand). Cytogenetic location: 2p23.3.
Variant type: single nucleotide variant.
Coding change: c.712C>T on transcript NM_000183.3 (MANE Select); coding-DNA position 712, C replaced by T.
Protein change: p.Arg238Trp; replaces arginine 238 with tryptophan.
Molecular consequence: missense variant.
Genome position (GRCh38, 1-based): chr2:26,279,216, C>T. VCF-style: chr2-26279216-C-T. GRCh37 (hg19) VCF-style: chr2-26502084-C-T.
Other names: c.667C>T, p.Arg223Trp (NM_001281512.2); c.646C>T, p.Arg216Trp (NM_001281513.2); short protein forms R238W, R216W, R223W.
Identifiers: ClinVar variation 335406 (VCV000335406.14), dbSNP rs764006338, ClinGen allele CA1560319.

ClinVar aggregate classification (germline): Conflicting classifications of pathogenicity. Review status: criteria provided, conflicting classifications (1 of 4 stars). 7 submissions from 7 submitters: Pathogenic (1); Likely pathogenic (2); Uncertain significance (4). Last evaluated 2025-05-05.

Conditions:
Mitochondrial trifunctional protein deficiency 2 (MTPD2). Identifiers: MedGen C5830374, MONDO:0958185, OMIM 620300.
Mitochondrial trifunctional protein deficiency. Identifiers: Orphanet 746, MedGen C1969443, MONDO:0012172.

Allele frequency attached by ClinVar (database versions not stated): ExAC 0.00001; gnomAD exomes 0.00001; TOPMed 0.00001; gnomAD 0.00006.
gnomAD v4.1: 21 of 1,613,414 alleles (0.0013%); highest among the groups gnomAD compares: South Asian, 0.0022%; no homozygotes.

Submissions (7):

Variantyx, Inc.
Classification: Likely pathogenic for Mitochondrial trifunctional protein deficiency 2. Last evaluated: 2025-05-05. Review status: criteria provided, single submitter. Criteria: Variantyx Assertion Criteria 2022. Collection method: clinical testing. Allele origin: germline. Inheritance: Autosomal recessive inheritance. Affected: no.
Comment: This is a nonsynonymous variant in the HADHB gene (OMIM: 143450). Pathogenic variants in this gene have been associated with autosomal recessive mitochondrial trifunctional protein deficiency 2. This variant has been identified in the homozygous or compound heterozygous state in several unrelated individuals reported in the published literature (PMID: 31130284, 38263760, 34712195) (PM3_Strong). Multiple computational algorithms predict a deleterious effect for this variant (REVEL score: 0.812) (PP3) and the variant has a 0.0022% maximum allele frequency in non-founder control populations (PM2). Based on the current evidence, this variant is classified as likely pathogenic for autosomal recessive mitochondrial trifunctional protein deficiency 2.

3billion
Classification: Uncertain significance for Mitochondrial trifunctional protein deficiency 2. Last evaluated: 2025-04-20. Review status: criteria provided, single submitter. Criteria: ACMG Guidelines, 2015. Collection method: clinical testing. Allele origin: germline. Affected: yes.
Comment: The variant is observed at an extremely low frequency in the gnomAD v4.1.0 dataset (total allele frequency: 0.001%). Predicted Consequence/Location: Missense variant . In silico tool predictions suggest damaging effect of the variant on gene or gene product [REVEL: 0.81 (>=0.6, sensitivity 0.68 and specificity 0.92); 3Cnet: 0.97 (> 0.75, sensitivity 0.96 and precision 0.92)].The same nucleotide change resulting in the same amino acid change has been previously reported to be associated with HADHB-related disorder (ClinVar ID: VCV000335406). However, the evidence of pathogenicity is insufficient at this time. Therefore, this variant is classified as VUS according to the recommendation of ACMG/AMP guideline.

Genomic Medicine Center of Excellence, King Faisal Specialist Hospital and Research Centre
Classification: Pathogenic for Mitochondrial trifunctional protein deficiency 2. Last evaluated: 2024-03-17. Review status: criteria provided, single submitter. Criteria: ACMG Guidelines, 2015. Collection method: research. Allele origin: germline.

Labcorp Genetics (formerly Invitae), Labcorp
Classification: Uncertain significance for Mitochondrial trifunctional protein deficiency. Last evaluated: 2022-04-09. Review status: criteria provided, single submitter. Criteria: Invitae Variant Classification Sherloc (09022015). Collection method: clinical testing. Allele origin: germline.
Comment: This sequence change replaces arginine, which is basic and polar, with tryptophan, which is neutral and slightly polar, at codon 238 of the HADHB protein (p.Arg238Trp). This variant is present in population databases (rs764006338, gnomAD 0.004%). This missense change has been observed in individual(s) with clinical features of HADHB-related conditions (PMID: 30682426, 31130284). This variant is also known as c.667C>T (p.Arg223Trp). ClinVar contains an entry for this variant (Variation ID: 335406). Algorithms developed to predict the effect of missense changes on protein structure and function are either unavailable or do not agree on the potential impact of this missense change (SIFT: "Deleterious"; PolyPhen-2: "Benign"; Align-GVGD: "Class C65"). In summary, the available evidence is currently insufficient to determine the role of this variant in disease. Therefore, it has been classified as a Variant of Uncertain Significance.

MGZ Medical Genetics Center
Classification: Uncertain significance for Mitochondrial trifunctional protein deficiency 1. Last evaluated: 2021-11-04. Review status: criteria provided, single submitter. Criteria: ACMG Guidelines, 2015. Collection method: clinical testing. Allele origin: germline. Affected: yes. Observed: 1 variant allele.
Comment: ACMG criteria applied: PM2_SUP, PP3

Illumina Laboratory Services, Illumina
Classification: Uncertain significance for Mitochondrial trifunctional protein deficiency 1. Last evaluated: 2018-01-13. Review status: criteria provided, single submitter. Criteria: ICSL Variant Classification Criteria 13 December 2019. Collection method: clinical testing. Allele origin: germline.

Pathology and Clinical Laboratory Medicine, King Fahad Medical City
Classification: Likely pathogenic for Mitochondrial trifunctional protein deficiency 1. Review status: criteria provided, single submitter. Criteria: ACMG Guidelines, 2015. Collection method: clinical testing. Allele origin: germline. Affected: yes. Observed: 2 variant alleles.

Literature cited by the submitters: PubMed 31130284 (cited by Variantyx, Inc. and Labcorp Genetics (formerly Invitae), Labcorp); PubMed 38263760 (cited by Variantyx, Inc.); PubMed 34712195 (cited by Variantyx, Inc.); PubMed 30682426 (cited by Labcorp Genetics (formerly Invitae), Labcorp).